The following is an entry in ClinVar:

ClinVar aggregate classification (germline): Uncertain significance (1 of 4 stars; one submission).

Conditions:
Encephalopathy, acute, infection-induced (herpes-specific), susceptibility to, 6. Also called: Herpes simplex encephalitis, susceptibility to, 4. Identifiers: Orphanet 1930, MedGen C3553869, MONDO:0013921, OMIM 614850.

Allele frequency attached by ClinVar (database versions not stated): TOPMed below 0.00001; ExAC 0.00001; gnomAD exomes below 0.00001.

Submission:

Labcorp Genetics (formerly Invitae), Labcorp
Classification: Uncertain significance for Encephalopathy, acute, infection-induced (herpes-specific), susceptibility to, 6. Last evaluated: 2018-03-28. Review status: criteria provided, single submitter. Criteria: Invitae Variant Classification Sherloc (09022015). Collection method: clinical testing. Allele origin: germline.
Comment: This sequence change replaces cysteine with glycine at codon 3 of the TICAM1 protein (p.Cys3Gly). The cysteine residue is weakly conserved and there is a large physicochemical difference between cysteine and glycine. This variant is present in population databases (rs777499533, ExAC 0.002%). This variant has not been reported in the literature in individuals with TICAM1-related disease. Algorithms developed to predict the effect of missense changes on protein structure and function output the following: SIFT: "Tolerated"; PolyPhen-2: "Benign"; Align-GVGD: "Class C0". The glycine amino acid residue is found in multiple mammalian species, suggesting that this missense change does not adversely affect protein function. These predictions have not been confirmed by published functional studies and their clinical significance is uncertain. In summary, the available evidence is currently insufficient to determine the role of this variant in disease. Therefore, it has been classified as a Variant of Uncertain Significance.

NM_182919.4(TICAM1):c.7T>G (p.Cys3Gly)

Gene: TICAM1 (TIR domain containing adaptor molecule 1; minus strand). Cytogenetic location: 19p13.3.
Variant type: single nucleotide variant.
Coding change: c.7T>G on transcript NM_182919.4 (MANE Select); coding-DNA position 7, T replaced by G.
Protein change: p.Cys3Gly; replaces cysteine 3 with glycine.
Molecular consequence: missense variant. On other transcripts: intron variant (3).
Genome position (GRCh38, 1-based): chr19:4,818,371, A>C on the plus strand (T>G on the coding strand, the complement: TICAM1 is on the minus strand). VCF-style: chr19-4818371-A-C. GRCh37 (hg19) VCF-style: chr19-4818383-A-C.
Other names: c.-89-40T>G (NM_001385679.1); c.5-40T>G (NM_001385678.1); c.-72+13T>G (NM_001385680.1); short protein forms C3G.
Identifiers: ClinVar variation 583277 (VCV000583277.7), dbSNP rs777499533, ClinGen allele CA9105442.